The following is an entry in ClinVar:

ClinVar aggregate classification (germline): Uncertain significance (1 of 4 stars; one submission).

Submission:

Labcorp Genetics (formerly Invitae), Labcorp
Classification: Uncertain significance. Last evaluated: 2021-02-01. Review status: criteria provided, single submitter. Criteria: Invitae Variant Classification Sherloc (09022015). Collection method: clinical testing. Allele origin: germline.
Comment: This sequence change falls in intron 25 of the POLE gene. It does not directly change the encoded amino acid sequence of the POLE protein. It affects a nucleotide within the consensus splice site of the intron. This variant is not present in population databases (ExAC no frequency). This variant has not been reported in the literature in individuals with POLE-related conditions. Nucleotide substitutions within the consensus splice site are a relatively common cause of aberrant splicing (PMID: 17576681, 9536098). Algorithms developed to predict the effect of sequence changes on RNA splicing suggest that this variant may disrupt the consensus splice site, but this prediction has not been confirmed by published transcriptional studies. In summary, the available evidence is currently insufficient to determine the role of this variant in disease. Therefore, it has been classified as a Variant of Uncertain Significance.

Literature cited by the submitters: PubMed 17576681; PubMed 9536098.

NM_006231.4(POLE):c.3060+3A>G

Gene: POLE (DNA polymerase epsilon, catalytic subunit; minus strand). Cytogenetic location: 12q24.33.
Variant type: single nucleotide variant.
Coding change: c.3060+3A>G on transcript NM_006231.4 (MANE Select); 3 bases into the intron after coding-DNA position 3060, A replaced by G.
Molecular consequence: intron variant.
Genome position (GRCh38, 1-based): chr12:132,660,966, T>C on the plus strand (A>G on the coding strand, the complement: POLE is on the minus strand). VCF-style: chr12-132660966-T-C. GRCh37 (hg19) VCF-style: chr12-133237552-T-C.
Identifiers: ClinVar variation 1506430 (VCV001506430.6), dbSNP rs2138688383, ClinGen allele CA2573148168.